The following is an entry in ClinVar:

ClinVar aggregate classification (germline): Conflicting classifications of pathogenicity. Review status: criteria provided, conflicting classifications (1 of 4 stars). 16 submissions from 16 submitters: Uncertain significance (1); Benign (4); Likely benign (11). Last evaluated 2026-04-01.

Conditions:
ATM-related cancer predisposition. Also called: ATM-related cancer susceptibility. Identifiers: MedGen CN377759, MONDO:0700270.
Hereditary cancer-predisposing syndrome. Also called: Neoplastic Syndromes, Hereditary; Hereditary Cancer Syndrome; Tumor predisposition; Hereditary neoplastic syndrome. Identifiers: Orphanet 140162, MedGen C0027672, MeSH D009386, MONDO:0015356.
Breast and/or ovarian cancer. Identifiers: MedGen CN221562.
Familial cancer of breast. Also called: BREAST CANCER, FAMILIAL; hereditary breast carcinoma; Hereditary breast cancer. Identifiers: Orphanet 227535, MedGen C0346153, MONDO:0016419, OMIM 114480. Disease mechanism: loss of function.
Ataxia-telangiectasia syndrome (AT). Also called: Ataxia-telangiectasia, complementation group D; AT, COMPLEMENTATION GROUP C; Ataxia-telangiectasia; ATAXIA-TELANGIECTASIA, COMPLEMENTATION GROUP A; ATAXIA-TELANGIECTASIA, FRESNO VARIANT; Ataxia-telangiectasia, complementation group E. Identifiers: Orphanet 100, MedGen C0004135, MONDO:0008840, OMIM 208900.

Allele frequency attached by ClinVar (database versions not stated): ExAC 0.00008; gnomAD 0.00030 and 0.00027; gnomAD exomes 0.00006; TOPMed 0.00030; ESP Exome Variant Server 0.00046.
gnomAD v4.1: 85 of 1,613,852 alleles (0.0053%); highest among the groups gnomAD compares: African/African-American, 0.083%; no homozygotes.

Submissions (16):

CeGaT Center for Human Genetics Tuebingen
Classification: Likely benign. Last evaluated: 2026-04-01. Review status: criteria provided, single submitter. Criteria: CeGaT Center For Human Genetics Tuebingen Variant Classification Criteria Version 2. Collection method: clinical testing. Allele origin: germline. Affected: yes. Observed: 2 variant alleles.
Comment: ATM: BP4, BP7

Labcorp Genetics (formerly Invitae), Labcorp
Classification: Likely benign for Ataxia-telangiectasia syndrome. Last evaluated: 2026-01-16. Review status: criteria provided, single submitter. Criteria: Invitae Variant Classification Sherloc (09022015). Collection method: clinical testing. Allele origin: germline.

Quest Diagnostics Nichols Institute San Juan Capistrano
Classification: Benign. Last evaluated: 2025-02-05. Review status: criteria provided, single submitter. Criteria: Quest Diagnostics criteria. Collection method: clinical testing. Allele origin: unknown.

Blueprint Genetics
Classification: Likely benign. Last evaluated: 2024-09-30. Review status: criteria provided, single submitter. Criteria: ACMG Guidelines, 2015. Collection method: clinical testing. Allele origin: germline.

Myriad Genetics, Inc.
Classification: Benign for Familial cancer of breast. Last evaluated: 2024-06-12. Review status: criteria provided, single submitter. Criteria: Myriad Autosomal Dominant, Autosomal Recessive and X-Linked Classification Criteria (2023). Collection method: clinical testing. Allele origin: unknown.
Comment: This variant is considered benign. This variant is a silent/synonymous amino acid change and it is not expected to impact splicing.

Department of Pathology and Laboratory Medicine, Sinai Health System
Classification: Likely benign for ATM-related cancer predisposition. Last evaluated: 2024-02-26. Review status: criteria provided, single submitter. Criteria: ACMG Guidelines, 2015. Collection method: clinical testing. Allele origin: germline. Affected: yes.

KCCC/NGS Laboratory, Kuwait Cancer Control Center
Classification: Benign for Familial cancer of breast. Last evaluated: 2023-07-07. Review status: criteria provided, single submitter. Criteria: ACMG Guidelines, 2015. Collection method: clinical testing. Allele origin: germline. Affected: yes.

CHEO Genetics Diagnostic Laboratory, Children's Hospital of Eastern Ontario
Classification: Likely benign for Breast and/or ovarian cancer. Last evaluated: 2023-03-10. Review status: criteria provided, single submitter. Criteria: ACMG Guidelines, 2015. Collection method: clinical testing. Allele origin: germline.

Sema4
Classification: Likely benign for Hereditary cancer-predisposing syndrome. Last evaluated: 2021-07-18. Review status: criteria provided, single submitter. Criteria: Sema4 Curation Guidelines. Collection method: curation. Allele origin: germline.

Women's Health and Genetics/Laboratory Corporation of America, LabCorp
Classification: Likely benign. Last evaluated: 2020-10-15. Review status: criteria provided, single submitter. Criteria: LabCorp Variant Classification Summary - May 2015. Collection method: clinical testing. Allele origin: germline.

Genetic Services Laboratory, University of Chicago
Classification: Likely benign. Last evaluated: 2019-09-26. Review status: criteria provided, single submitter. Criteria: ACMG Guidelines, 2015. Collection method: clinical testing. Allele origin: germline. Affected: no.

Illumina Laboratory Services, Illumina
Classification: Uncertain significance for Ataxia-telangiectasia syndrome. Last evaluated: 2018-01-13. Review status: criteria provided, single submitter. Criteria: ICSL Variant Classification Criteria 13 December 2019. Collection method: clinical testing. Allele origin: germline.

Institute for Biomarker Research, Medical Diagnostic Laboratories, L.L.C.
Classification: Likely benign for Hereditary cancer-predisposing syndrome. Last evaluated: 2017-02-14. Review status: criteria provided, single submitter. Criteria: ACMG Guidelines, 2015. Collection method: clinical testing. Allele origin: germline.

Color Diagnostics, LLC DBA Color Health
Classification: Likely benign for Hereditary cancer-predisposing syndrome. Last evaluated: 2016-05-19. Review status: criteria provided, single submitter. Criteria: ACMG Guidelines, 2015. Collection method: clinical testing. Allele origin: germline.

Ambry Genetics
Classification: Likely benign for Hereditary cancer-predisposing syndrome. Last evaluated: 2014-12-04. Review status: criteria provided, single submitter. Criteria: Ambry Variant Classification Scheme 2023. Collection method: clinical testing. Allele origin: germline.

GeneDx
Classification: Benign. Last evaluated: 2014-03-18. Review status: criteria provided, single submitter. Criteria: GeneDx Variant Classification (06012015). Collection method: clinical testing. Allele origin: germline. Affected: yes.
Comment: This variant is considered likely benign or benign based on one or more of the following criteria: it is a conservative change, it occurs at a poorly conserved position in the protein, it is predicted to be benign by multiple in silico algorithms, and/or has population frequency not consistent with disease.

Literature cited by the submitters: PubMed 30287823 (cited by Department of Pathology and Laboratory Medicine, Sinai Health System).

NM_000051.4(ATM):c.7044G>A (p.Thr2348=)

Genes: ATM (ATM serine/threonine kinase; plus strand), C11orf65 (chromosome 11 open reading frame 65; minus strand). Cytogenetic location: 11q22.3.
Variant type: single nucleotide variant.
Coding change: c.7044G>A on transcript NM_000051.4 (MANE Select); coding-DNA position 7044, G replaced by A.
Protein change: p.Thr2348=; no amino-acid change (threonine 2348 retained).
Molecular consequence: synonymous variant. On other transcripts: intron variant (2).
Genome position (GRCh38, 1-based): chr11:108,327,713, G>A. VCF-style: chr11-108327713-G-A. GRCh37 (hg19) VCF-style: chr11-108198440-G-A.
Other names: p.T2348T:ACG>ACA; c.7044G>A, p.Thr2348= (NM_001351834.2); c.641-18642C>T (NM_001330368.2); c.*38+7507C>T (NM_001351110.2).
Identifiers: ClinVar variation 136429 (VCV000136429.52), dbSNP rs140104789, ClinGen allele CA289519.